The following is an entry in ClinVar:

ClinVar aggregate classification (germline): Pathogenic. Review status: criteria provided, multiple submitters, no conflicts (2 of 4 stars). 3 submissions from 3 submitters: Pathogenic (3). Last evaluated 2024-08-30.

Conditions:
Maple syrup urine disease type 1A (MSUD1A). Also called: MSUD type 1A. Identifiers: MedGen C1855369, MONDO:0023691, OMIM 248600.
Maple syrup urine disease (MSUD). Identifiers: Orphanet 511, MedGen C0024776, MeSH D008375, MONDO:0009563. Disease mechanism: loss of function.

Allele frequency attached by ClinVar (database versions not stated): gnomAD exomes below 0.00001.
gnomAD v4.1: 2 of 1,613,974 alleles (0.00012%); highest among the groups gnomAD compares: Non-Finnish European, 0.00017%; no homozygotes.

Submissions (3):

3billion
Classification: Pathogenic for Maple syrup urine disease type 1A. Last evaluated: 2024-08-30. Review status: criteria provided, single submitter. Criteria: ACMG Guidelines, 2015. Collection method: clinical testing. Allele origin: germline. Affected: yes.
Comment: The variant is observed at an extremely low frequency in the gnomAD v4.0.0 dataset (total allele frequency: <0.001%). Predicted Consequence/Location: Stop-gained (nonsense): predicted to result in a loss or disruption of normal protein function through nonsense-mediated decay (NMD) or protein truncation. Multiple pathogenic variants are reported downstream of the variant. The variant has been reported at least twice as pathogenic without evidence for the classification (ClinVar ID: VCV000093381). Therefore, this variant is classified as Pathogenic according to the recommendation of ACMG/AMP guideline.

Labcorp Genetics (formerly Invitae), Labcorp
Classification: Pathogenic for Maple syrup urine disease. Last evaluated: 2021-11-13. Review status: criteria provided, single submitter. Criteria: Invitae Variant Classification Sherloc (09022015). Collection method: clinical testing. Allele origin: germline.
Comment: This variant has not been reported in the literature in individuals affected with BCKDHA-related conditions. ClinVar contains an entry for this variant (Variation ID: 93381). For these reasons, this variant has been classified as Pathogenic. This sequence change creates a premature translational stop signal (p.Gln322*) in the BCKDHA gene. It is expected to result in an absent or disrupted protein product. Loss-of-function variants in BCKDHA are known to be pathogenic (PMID: 16786533, 22593002). This variant is not present in population databases (gnomAD no frequency).

Eurofins Ntd Llc (ga)
Classification: Pathogenic. Last evaluated: 2013-01-21. Review status: criteria provided, single submitter. Criteria: EGL Classification Definitions. Collection method: clinical testing. Allele origin: germline. Observed: 1 variant allele, 1 heterozygote.

Literature cited by the submitters: PubMed 16786533 (cited by Labcorp Genetics (formerly Invitae), Labcorp); PubMed 22593002 (cited by Labcorp Genetics (formerly Invitae), Labcorp).

NM_000709.4(BCKDHA):c.964C>T (p.Gln322Ter)

Gene: BCKDHA (branched chain keto acid dehydrogenase E1 subunit alpha; plus strand). Cytogenetic location: 19q13.2.
Variant type: single nucleotide variant.
Coding change: c.964C>T on transcript NM_000709.4 (MANE Select); coding-DNA position 964, C replaced by T.
Protein change: p.Gln322Ter; replaces glutamine 322 with a stop codon.
Molecular consequence: nonsense.
Genome position (GRCh38, 1-based): chr19:41,422,739, C>T. VCF-style: chr19-41422739-C-T. GRCh37 (hg19) VCF-style: chr19-41928644-C-T.
Other names: c.961C>T, p.Gln321Ter (NM_001164783.2); short protein forms Q322*, Q321*.
Identifiers: ClinVar variation 93381 (VCV000093381.13), dbSNP rs398123513, ClinGen allele CA221230.